The following is an entry in ClinVar:

ClinVar aggregate classification (germline): Uncertain significance (1 of 4 stars; one submission).

Allele frequency attached by ClinVar (database versions not stated): gnomAD 0.00001.

Submission:

Labcorp Genetics (formerly Invitae), Labcorp
Classification: Uncertain significance. Last evaluated: 2023-02-18. Review status: criteria provided, single submitter. Criteria: Invitae Variant Classification Sherloc (09022015). Collection method: clinical testing. Allele origin: germline.
Comment: Advanced modeling of protein sequence and biophysical properties (such as structural, functional, and spatial information, amino acid conservation, physicochemical variation, residue mobility, and thermodynamic stability) performed at Invitae indicates that this missense variant is not expected to disrupt TBX20 protein function. In summary, the available evidence is currently insufficient to determine the role of this variant in disease. Therefore, it has been classified as a Variant of Uncertain Significance. This sequence change replaces valine, which is neutral and non-polar, with alanine, which is neutral and non-polar, at codon 153 of the TBX20 protein (p.Val153Ala). This variant is not present in population databases (gnomAD no frequency). This variant has not been reported in the literature in individuals affected with TBX20-related conditions.

NM_001077653.2(TBX20):c.458T>C (p.Val153Ala)

Gene: TBX20 (T-box transcription factor 20; minus strand). Cytogenetic location: 7p14.2.
Variant type: single nucleotide variant.
Coding change: c.458T>C on transcript NM_001077653.2 (MANE Select); coding-DNA position 458, T replaced by C.
Protein change: p.Val153Ala; replaces valine 153 with alanine.
Molecular consequence: missense variant.
Genome position (GRCh38, 1-based): chr7:35,248,764, A>G on the plus strand (T>C on the coding strand, the complement: TBX20 is on the minus strand). VCF-style: chr7-35248764-A-G. GRCh37 (hg19) VCF-style: chr7-35288376-A-G.
Other names: c.458T>C, p.Val153Ala (NM_001166220.1); short protein forms V153A.
Identifiers: ClinVar variation 2838596 (VCV002838596.3), dbSNP rs1790246057, ClinGen allele CA367264698.